The following is an entry in ClinVar:

NM_001197104.2(KMT2A):c.9524G>C (p.Ser3175Thr)

Gene: KMT2A (lysine methyltransferase 2A; plus strand). Cytogenetic location: 11q23.3.
Variant type: single nucleotide variant.
Coding change: c.9524G>C on transcript NM_001197104.2 (MANE Select); coding-DNA position 9524, G replaced by C.
Protein change: p.Ser3175Thr; replaces serine 3175 with threonine.
Molecular consequence: missense variant.
Genome position (GRCh38, 1-based): chr11:118,505,416, G>C. VCF-style: chr11-118505416-G-C. GRCh37 (hg19) VCF-style: chr11-118376131-G-C.
Other names: c.9614G>C, p.Ser3205Thr (NM_001412597.1); c.9515G>C, p.Ser3172Thr (NM_005933.4); short protein forms S3172T, S3175T, S3205T.
Identifiers: ClinVar variation 4800578 (VCV004800578.1).
Genomic context (GRCh38, chr11:118,505,416, plus strand): 5'-GATTGCTACCCATGTCTCATCACCAGCACTTACATTCCTTCCCTGCAGCTACTCAAAGTA[G>C]TTTCCCACCAAACATCAGCAATCCTCCTTCAGGCCTGCTTATTGGGGTTCAGCCTCCTCC-3'
Protein context (NP_001184033.1, residues 3165-3185): LHSFPAATQS[Ser3175Thr]FPPNISNPPS

ClinVar aggregate classification (germline): Uncertain significance (1 of 4 stars; one submission).

Submission:

Labcorp Genetics (formerly Invitae), Labcorp
Classification: Uncertain significance. Last evaluated: 2025-10-08. Review status: criteria provided, single submitter. Criteria: Invitae Variant Classification Sherloc (09022015). Collection method: clinical testing. Allele origin: germline.
Comment: This sequence change replaces serine, which is neutral and polar, with threonine, which is neutral and polar, at codon 3175 of the KMT2A protein (p.Ser3175Thr). This variant is not present in population databases (gnomAD no frequency). This variant has not been reported in the literature in individuals affected with KMT2A-related conditions. Invitae Evidence Modeling of protein sequence and biophysical properties (such as structural, functional, and spatial information, amino acid conservation, physicochemical variation, residue mobility, and thermodynamic stability) indicates that this missense variant is not expected to disrupt KMT2A protein function with a negative predictive value of 95%. In summary, the available evidence is currently insufficient to determine the role of this variant in disease. Therefore, it has been classified as a Variant of Uncertain Significance.